The following is an entry in ClinVar:

NM_152564.5(VPS13B):c.3406G>A (p.Glu1136Lys)

Gene: VPS13B (vacuolar protein sorting 13 homolog B; plus strand). Cytogenetic location: 8q22.2.
Variant type: single nucleotide variant.
Coding change: c.3406G>A on transcript NM_152564.5 (MANE Select); coding-DNA position 3406, G replaced by A.
Protein change: p.Glu1136Lys; replaces glutamic acid 1136 with lysine.
Molecular consequence: missense variant.
Genome position (GRCh38, 1-based): chr8:99,442,596, G>A. VCF-style: chr8-99442596-G-A. GRCh37 (hg19) VCF-style: chr8-100454824-G-A.
Other names: c.3406G>A, p.Glu1136Lys (NM_017890.5); c.3406G>A (NM_152564.4); short protein forms E1136K.
Identifiers: ClinVar variation 195772 (VCV000195772.12), dbSNP rs199902569, ClinGen allele CA242353.
Genomic context (GRCh38, chr8:99,442,596, plus strand): 5'-CTCTGTTTGCCTCAAATAAAGATTATTAGTGCTGGGCACAAGTATATGGAACCTCTGCAG[G>A]AGATTCCATTTGTTATCCCACGACCCATCCTTGAAGAAGGTATATGTTAACATTTTTTTC-3'
Protein context (NP_689777.3, residues 1126-1146): AGHKYMEPLQ[Glu1136Lys]IPFVIPRPIL

ClinVar aggregate classification (germline): Uncertain significance. Review status: criteria provided, multiple submitters, no conflicts (2 of 4 stars). 6 submissions from 6 submitters: Uncertain significance (5). 1 of the submissions does not count toward it. Last evaluated 2024-12-18.

Conditions:
VPS13B-related disorder. Also called: VPS13B-related condition.
Inborn genetic diseases. Identifiers: MedGen C0950123, MeSH D030342.
Cohen syndrome (COH1). Also called: PEPPER SYNDROME; Cutis verticis gyrata, retinitis pigmentosa, and sensorineural deafness. Identifiers: Orphanet 193, MedGen C0265223, MONDO:0008999, OMIM 216550.

Allele frequency attached by ClinVar (database versions not stated): gnomAD exomes below 0.00001 and 0.00001.
gnomAD v4.1: 4 of 1,613,892 alleles (0.00025%); highest among the groups gnomAD compares: Admixed American, 0.0033%; no homozygotes.

Submissions (6):

Ambry Genetics
Classification: Uncertain significance for Inborn genetic diseases. Last evaluated: 2024-12-18. Review status: criteria provided, single submitter. Criteria: Ambry Variant Classification Scheme 2023. Collection method: clinical testing. Allele origin: germline.

Labcorp Genetics (formerly Invitae), Labcorp
Classification: Uncertain significance for Cohen syndrome. Last evaluated: 2022-09-27. Review status: criteria provided, single submitter. Criteria: Invitae Variant Classification Sherloc (09022015). Collection method: clinical testing. Allele origin: germline.
Comment: This sequence change replaces glutamic acid, which is acidic and polar, with lysine, which is basic and polar, at codon 1136 of the VPS13B protein (p.Glu1136Lys). This variant is present in population databases (rs199902569, gnomAD 0.006%). This variant has not been reported in the literature in individuals affected with VPS13B-related conditions. ClinVar contains an entry for this variant (Variation ID: 195772). Advanced modeling of protein sequence and biophysical properties (such as structural, functional, and spatial information, amino acid conservation, physicochemical variation, residue mobility, and thermodynamic stability) performed at Invitae indicates that this missense variant is expected to disrupt VPS13B protein function. In summary, the available evidence is currently insufficient to determine the role of this variant in disease. Therefore, it has been classified as a Variant of Uncertain Significance.

GeneDx
Classification: Uncertain significance. Last evaluated: 2020-01-31. Review status: criteria provided, single submitter. Criteria: GeneDx Variant Classification Process June 2021. Collection method: clinical testing. Allele origin: germline. Affected: yes.
Comment: Not observed at a significant frequency in large population cohorts (Lek et al., 2016); In silico analysis supports that this missense variant does not alter protein structure/function; Has not been previously published as pathogenic or benign to our knowledge

Blueprint Genetics
Classification: Uncertain significance. Last evaluated: 2019-10-04. Review status: criteria provided, single submitter. Criteria: ACMG Guidelines, 2015. Collection method: clinical testing. Allele origin: germline.

Eurofins Ntd Llc (ga)
Classification: Uncertain significance. Last evaluated: 2014-05-23. Review status: criteria provided, single submitter. Criteria: EGL Classification Definitions 2015. Collection method: clinical testing. Allele origin: germline. Observed: 1 variant allele, 1 heterozygote.

PreventionGenetics, part of Exact Sciences
Classification: Uncertain significance for VPS13B-related condition. Last evaluated: 2024-06-14. Review status: no assertion criteria provided. Collection method: clinical testing. Allele origin: germline. Not counted in ClinVar's aggregate classification.
Comment: The VPS13B c.3406G>A variant is predicted to result in the amino acid substitution p.Glu1136Lys. To our knowledge, this variant has not been reported in the literature. This variant is reported in 0.0055% of alleles in individuals of East Asian descent in gnomAD. At this time, the clinical significance of this variant is uncertain due to the absence of conclusive functional and genetic evidence.